The following is an entry in ClinVar:

NM_001164508.2(NEB):c.2348A>G (p.Lys783Arg)

Gene: NEB (nebulin; minus strand). Cytogenetic location: 2q23.3.
Variant type: single nucleotide variant.
Coding change: c.2348A>G on transcript NM_001164508.2 (MANE Select); coding-DNA position 2348, A replaced by G.
Protein change: p.Lys783Arg; replaces lysine 783 with arginine.
Molecular consequence: missense variant.
Genome position (GRCh38, 1-based): chr2:151,688,359, T>C on the plus strand (A>G on the coding strand, the complement: NEB is on the minus strand). VCF-style: chr2-151688359-T-C. GRCh37 (hg19) VCF-style: chr2-152544873-T-C.
Other names: c.2348A>G, p.Lys783Arg (NM_001164507.2, NM_001271208.2, NM_004543.5); short protein forms K783R.
Identifiers: ClinVar variation 1433067 (VCV001433067.7), dbSNP rs2099519230, ClinGen allele CA348823196.

ClinVar aggregate classification (germline): Uncertain significance (1 of 4 stars; one submission).

Conditions:
Nemaline myopathy 2 (NEM2). Also called: Nemaline myopathy 2, autosomal recessive. Identifiers: MedGen C1850569, MONDO:0009725, OMIM 256030.

Submission:

Labcorp Genetics (formerly Invitae), Labcorp
Classification: Uncertain significance for Nemaline myopathy 2. Last evaluated: 2021-04-03. Review status: criteria provided, single submitter. Criteria: Invitae Variant Classification Sherloc (09022015). Collection method: clinical testing. Allele origin: germline.
Comment: Algorithms developed to predict the effect of missense changes on protein structure and function are either unavailable or do not agree on the potential impact of this missense change (SIFT: "Deleterious"; PolyPhen-2: "Not Available"; Align-GVGD: "Class C0"). In summary, the available evidence is currently insufficient to determine the role of this variant in disease. Therefore, it has been classified as a Variant of Uncertain Significance. This variant has not been reported in the literature in individuals with NEB-related conditions. This variant is not present in population databases (ExAC no frequency). This sequence change replaces lysine with arginine at codon 783 of the NEB protein (p.Lys783Arg). The lysine residue is moderately conserved and there is a small physicochemical difference between lysine and arginine.